The following is an entry in ClinVar:

ClinVar aggregate classification (germline): Likely benign. Review status: criteria provided, multiple submitters, no conflicts (2 of 4 stars). 3 submissions from 3 submitters: Likely benign (2). 1 of the submissions does not count toward it. Last evaluated 2024-04-16.

Conditions:
IQCB1-related disorder. Also called: IQCB1-related condition.
Nephronophthisis. Also called: Juvenile Nephronophthisis. Identifiers: Orphanet 655, MedGen C0687120, MONDO:0019005, HP:0000090.

Allele frequency attached by ClinVar (database versions not stated): gnomAD exomes 0.00004 and 0.00011; TOPMed 0.00005; gnomAD 0.00007; ExAC 0.00002.
gnomAD v4.1: 171 of 1,613,878 alleles (0.011%); highest among the groups gnomAD compares: Middle Eastern, 0.016%; no homozygotes.

Submissions (3):

Labcorp Genetics (formerly Invitae), Labcorp
Classification: Likely benign for Nephronophthisis. Last evaluated: 2024-04-16. Review status: criteria provided, single submitter. Criteria: Invitae Variant Classification Sherloc (09022015). Collection method: clinical testing. Allele origin: germline.

Blueprint Genetics
Classification: Likely benign. Last evaluated: 2023-02-10. Review status: criteria provided, single submitter. Criteria: ACMG Guidelines, 2015. Collection method: clinical testing. Allele origin: germline.

PreventionGenetics, part of Exact Sciences
Classification: Likely benign for IQCB1-related condition. Last evaluated: 2024-06-14. Review status: no assertion criteria provided. Collection method: clinical testing. Allele origin: germline. Not counted in ClinVar's aggregate classification.
Comment: This variant is classified as likely benign based on ACMG/AMP sequence variant interpretation guidelines (Richards et al. 2015 PMID: 25741868, with internal and published modifications).

NM_001023570.4(IQCB1):c.1335A>T (p.Arg445=)

Gene: IQCB1 (IQ motif containing B1; minus strand). Cytogenetic location: 3q13.33.
Variant type: single nucleotide variant.
Coding change: c.1335A>T on transcript NM_001023570.4 (MANE Select); coding-DNA position 1335, A replaced by T.
Protein change: p.Arg445=; no amino-acid change (arginine 445 retained).
Molecular consequence: synonymous variant. On other transcripts: non-coding transcript variant (1).
Genome position (GRCh38, 1-based): chr3:121,781,818, T>A on the plus strand (A>T on the coding strand, the complement: IQCB1 is on the minus strand). VCF-style: chr3-121781818-T-A. GRCh37 (hg19) VCF-style: chr3-121500665-T-A.
Other names: c.936A>T, p.Arg312= (NM_001023571.4); c.1335A>T, p.Arg445= (NM_001319107.2); c.1335A>T (NM_001023570.3).
Identifiers: ClinVar variation 698880 (VCV000698880.12), dbSNP rs772003773, ClinGen allele CA2567122.